The following is an entry in ClinVar:

ClinVar aggregate classification (germline): Uncertain significance. Review status: criteria provided, multiple submitters, no conflicts (2 of 4 stars). 6 submissions from 6 submitters: Uncertain significance (6). Last evaluated 2025-10-22.

Conditions:
Bifunctional peroxisomal enzyme deficiency (DBIF). Also called: D-bifunctional protein deficiency; DBP DEFICIENCY; PBFE DEFICIENCY. Identifiers: Orphanet 300, MedGen C0342870, MONDO:0009855, OMIM 261515. Disease mechanism: loss of function.
Perrault syndrome. Also called: Gonadal dysgenesis with auditory dysfunction, autosomal recessive inheritance. Identifiers: Orphanet 2855, MedGen C0685838, MONDO:0017312.
Inborn genetic diseases. Identifiers: MedGen C0950123, MeSH D030342.
HSD17B4-related disorder. Also called: HSD17B4-related condition; HSD17B4-related disorders.

Allele frequency attached by ClinVar (database versions not stated): gnomAD 0.00002; TOPMed 0.00003; gnomAD exomes 0.00006; ESP Exome Variant Server 0.00008; ExAC 0.00011.
gnomAD v4.1: 90 of 1,610,496 alleles (0.0056%); highest among the groups gnomAD compares: Admixed American, 0.012%; no homozygotes.

Submissions (6):

PreventionGenetics, part of Exact Sciences
Classification: Uncertain significance for HSD17B4-related condition. Last evaluated: 2025-10-22. Review status: criteria provided, single submitter. Criteria: ACMG Guidelines, 2015. Collection method: clinical testing. Allele origin: germline.
Comment: The HSD17B4 c.373C>T variant is predicted to result in the amino acid substitution p.Arg125Trp. To our knowledge, this variant has not been reported in the literature. This variant is reported in 0.023% of alleles in individuals of Latino descent in gnomAD. At this time, the clinical significance of this variant is uncertain due to the absence of conclusive functional and genetic evidence.

GeneDx
Classification: Uncertain significance. Last evaluated: 2025-03-13. Review status: criteria provided, single submitter. Criteria: GeneDx Variant Classification Process June 2021. Collection method: clinical testing. Allele origin: germline. Affected: yes.
Comment: In silico analysis supports that this missense variant has a deleterious effect on protein structure/function; Has not been previously published as pathogenic or benign to our knowledge

Labcorp Genetics (formerly Invitae), Labcorp
Classification: Uncertain significance for Perrault syndrome; Bifunctional peroxisomal enzyme deficiency. Last evaluated: 2024-05-20. Review status: criteria provided, single submitter. Criteria: Invitae Variant Classification Sherloc (09022015). Collection method: clinical testing. Allele origin: germline.
Comment: This sequence change replaces arginine, which is basic and polar, with tryptophan, which is neutral and slightly polar, at codon 125 of the HSD17B4 protein (p.Arg125Trp). This variant is present in population databases (rs149916677, gnomAD 0.02%). This variant has not been reported in the literature in individuals affected with HSD17B4-related conditions. ClinVar contains an entry for this variant (Variation ID: 2202146). Algorithms developed to predict the effect of missense changes on protein structure and function output the following: SIFT: "Not Available"; PolyPhen-2: "Benign"; Align-GVGD: "Not Available". The tryptophan amino acid residue is found in multiple mammalian species, which suggests that this missense change does not adversely affect protein function. In summary, the available evidence is currently insufficient to determine the role of this variant in disease. Therefore, it has been classified as a Variant of Uncertain Significance.

Blueprint Genetics
Classification: Uncertain significance. Last evaluated: 2024-04-09. Review status: criteria provided, single submitter. Criteria: ACMG Guidelines, 2015. Collection method: clinical testing. Allele origin: germline.

Mayo Clinic Laboratories, Mayo Clinic
Classification: Uncertain significance. Last evaluated: 2022-11-07. Review status: criteria provided, single submitter. Criteria: ACMG Guidelines, 2015. Collection method: clinical testing. Allele origin: germline. Observed: 1 variant allele.
Comment: PM2

Ambry Genetics
Classification: Uncertain significance for Inborn genetic diseases. Last evaluated: 2022-09-15. Review status: criteria provided, single submitter. Criteria: Ambry Variant Classification Scheme 2023. Collection method: clinical testing. Allele origin: germline.

NM_000414.4(HSD17B4):c.373C>T (p.Arg125Trp)

Gene: HSD17B4 (hydroxysteroid 17-beta dehydrogenase 4; plus strand). Cytogenetic location: 5q23.1.
Variant type: single nucleotide variant.
Coding change: c.373C>T on transcript NM_000414.4 (MANE Select); coding-DNA position 373, C replaced by T.
Protein change: p.Arg125Trp; replaces arginine 125 with tryptophan.
Molecular consequence: missense variant. On other transcripts: 5 prime UTR variant (5), non-coding transcript variant (2).
Genome position (GRCh38, 1-based): chr5:119,477,440, C>T. VCF-style: chr5-119477440-C-T. GRCh37 (hg19) VCF-style: chr5-118813135-C-T.
Other names: p.Arg150Trp; c.448C>T, p.Arg150Trp (NM_001199291.3); c.319C>T, p.Arg107Trp (NM_001199292.2); c.301C>T, p.Arg101Trp (NM_001292027.2); c.-39C>T (NM_001292028.2, NM_001374501.1, NM_001374502.1 and 1 more transcripts); c.373C>T, p.Arg125Trp (NM_001374497.1, NM_001374498.1); c.46C>T, p.Arg16Trp (NM_001374499.1); c.-166C>T (NM_001374500.1); and 1 more; short protein forms R101W, R125W, R16W, R107W, R150W.
Identifiers: ClinVar variation 2202146 (VCV002202146.7), dbSNP rs149916677, ClinGen allele CA3381813.